The following is an entry in ClinVar:

NM_024795.4(TM4SF20):c.569C>A (p.Ser190Ter)

Gene: TM4SF20 (transmembrane 4 L six family member 20; minus strand). Cytogenetic location: 2q36.3.
Variant type: single nucleotide variant.
Coding change: c.569C>A on transcript NM_024795.4 (MANE Select); coding-DNA position 569, C replaced by A.
Protein change: p.Ser190Ter; replaces serine 190 with a stop codon.
Molecular consequence: nonsense.
Genome position (GRCh38, 1-based): chr2:227,363,845, G>T on the plus strand (C>A on the coding strand, the complement: TM4SF20 is on the minus strand). VCF-style: chr2-227363845-G-T. GRCh37 (hg19) VCF-style: chr2-228228561-G-T.
Other names: short protein forms S190*.
Identifiers: ClinVar variation 4881845 (VCV004881845.2).

ClinVar aggregate classification (germline): Uncertain significance (1 of 4 stars; one submission).

Submission:

Dasa
Classification: Uncertain significance. Last evaluated: 2026-02-28. Review status: criteria provided, single submitter. Criteria: DASA Assertion Criteria. Collection method: clinical testing. Allele origin: germline.
Comment: NM_024795.4(TM4SF20):c.569C>A (p.Ser190*) is a nonsense variant in TM4SF20 predicted to introduce a premature termination codon. This variant is rare in population databases. The currently available literature and clinical evidence are not sufficient to establish a definitive association between this variant and the reported condition. Therefore, this variant is classified as a variant of uncertain significance.